The following is an entry in ClinVar:

ClinVar aggregate classification (germline): Uncertain significance (1 of 4 stars; one submission).

Submission:

Labcorp Genetics (formerly Invitae), Labcorp
Classification: Uncertain significance. Last evaluated: 2023-06-10. Review status: criteria provided, single submitter. Criteria: Invitae Variant Classification Sherloc (09022015). Collection method: clinical testing. Allele origin: germline.
Comment: In summary, the available evidence is currently insufficient to determine the role of this variant in disease. Therefore, it has been classified as a Variant of Uncertain Significance. Advanced modeling of protein sequence and biophysical properties (such as structural, functional, and spatial information, amino acid conservation, physicochemical variation, residue mobility, and thermodynamic stability) has been performed at Invitae for this missense variant, however the output from this modeling did not meet the statistical confidence thresholds required to predict the impact of this variant on TRPM1 protein function. ClinVar contains an entry for this variant (Variation ID: 2129725). This variant has not been reported in the literature in individuals affected with TRPM1-related conditions. This variant is not present in population databases (gnomAD no frequency). This sequence change replaces alanine, which is neutral and non-polar, with glycine, which is neutral and non-polar, at codon 127 of the TRPM1 protein (p.Ala127Gly).

NM_001252024.2(TRPM1):c.446C>G (p.Ala149Gly)

Gene: TRPM1 (transient receptor potential cation channel subfamily M member 1; minus strand). Cytogenetic location: 15q13.3.
Variant type: single nucleotide variant.
Coding change: c.446C>G on transcript NM_001252024.2 (MANE Select); coding-DNA position 446, C replaced by G.
Protein change: p.Ala149Gly; replaces alanine 149 with glycine.
Molecular consequence: missense variant.
Genome position (GRCh38, 1-based): chr15:31,067,926, G>C on the plus strand (C>G on the coding strand, the complement: TRPM1 is on the minus strand). VCF-style: chr15-31067926-G-C. GRCh37 (hg19) VCF-style: chr15-31360129-G-C.
Other names: c.497C>G, p.Ala166Gly (NM_001252020.2); c.380C>G, p.Ala127Gly (NM_002420.6); short protein forms A166G, A149G, A127G.
Identifiers: ClinVar variation 2129725 (VCV002129725.4), dbSNP rs2504219358, ClinGen allele CA391534377.